The following is an entry in ClinVar:

NM_052867.4(NALCN):c.198_201del (p.Leu67fs)

Gene: NALCN (sodium leak channel, non-selective; minus strand). Cytogenetic location: 13q33.1.
Variant type: Deletion.
Coding change: c.198_201del on transcript NM_052867.4 (MANE Select); coding-DNA positions 198 to 201, 4 bases deleted (ACTT; older notation c.198_201delACTT).
Protein change: p.Leu67fs; shifts the reading frame from leucine 67.
Molecular consequence: frameshift variant.
Genome position (GRCh38, 1-based): chr13:101,395,273-101,395,276, AAGT deleted on the plus strand (ACTT on the coding strand, the reverse complement: NALCN is on the minus strand). VCF-style (leftmost placement, unchanged base first): chr13-101395272-GAAGT-G. GRCh37 (hg19) VCF-style: chr13-102047623-GAAGT-G.
Other names: c.198_201del, p.Leu67fs (NM_001350748.2, NM_001350749.2, NM_001350750.2 and 1 more transcripts); short protein forms L67fs.
Identifiers: ClinVar variation 3298400 (VCV003298400.1).

ClinVar aggregate classification (germline): Pathogenic (1 of 4 stars; one submission).

Conditions:
Inborn genetic diseases. Identifiers: MedGen C0950123, MeSH D030342.

Submission:

Ambry Genetics
Classification: Pathogenic for Inborn genetic diseases. Last evaluated: 2024-03-15. Review status: criteria provided, single submitter. Criteria: Ambry Variant Classification Scheme 2023. Collection method: clinical testing. Allele origin: germline.
Comment: The c.198_201delACTT (p.L67Sfs*3) alteration, located in exon 3 (coding exon 2) of the NALCN gene, consists of a deletion of 4 nucleotides from position 198 to 201, causing a translational frameshift with a predicted alternate stop codon after 3 amino acids. This alteration is expected to result in loss of function by premature protein truncation or nonsense-mediated mRNA decay. for autosomal recessive infantile hypotonia with psychomotor retardation and characteristic facies; however, its clinical significance for autosomal dominant congenital contractures of the limbs and face, hypotonia, and developmental delay is uncertain. Although biallelic loss of function of NALCN has been associated with infantile hypotonia with psychomotor retardation and characteristic facies, haploinsufficiency of NALCN has not been established as a mechanism of disease for congenital contractures of the limbs and face, hypotonia, and developmental delay. This variant was not reported in population-based cohorts in the Genome Aggregation Database (gnomAD). Based on the available evidence, this alteration is classified as pathogenic.